The following is an entry in ClinVar:

ClinVar aggregate classification (germline): Uncertain significance (1 of 4 stars; one submission).

Conditions:
Acute myeloid leukemia (AML). Also called: Acute myeloid leukemia, adult; AML adult; Acute non-lymphocytic leukemia; Acute granulocytic leukemia; Leukemia, acute myeloid, somatic; Leukemia, acute myelogenous, somatic. Identifiers: Orphanet 519, MedGen C0023467, MeSH D015470, MONDO:0018874, OMIM 601626, HP:0004808. Disease mechanism: Constitutively activated FLT3.

gnomAD v4.1: 1 of 1,612,450 alleles (0.000062%); no homozygotes.

Submission:

Labcorp Genetics (formerly Invitae), Labcorp
Classification: Uncertain significance for Acute myeloid leukemia. Last evaluated: 2022-06-10. Review status: criteria provided, single submitter. Criteria: Invitae Variant Classification Sherloc (09022015). Collection method: clinical testing. Allele origin: germline.
Comment: This variant has not been reported in the literature in individuals affected with CEBPA-related conditions. In summary, the available evidence is currently insufficient to determine the role of this variant in disease. Therefore, it has been classified as a Variant of Uncertain Significance. Algorithms developed to predict the effect of missense changes on protein structure and function are either unavailable or do not agree on the potential impact of this missense change (SIFT: "Deleterious"; PolyPhen-2: "Probably Damaging"; Align-GVGD: "Class C0"). This variant is not present in population databases (gnomAD no frequency). This sequence change replaces serine, which is neutral and polar, with glycine, which is neutral and non-polar, at codon 282 of the CEBPA protein (p.Ser282Gly).

NM_004364.5(CEBPA):c.844A>G (p.Ser282Gly)

Gene: CEBPA (CCAAT enhancer binding protein alpha; minus strand). Cytogenetic location: 19q13.11.
Variant type: single nucleotide variant.
Coding change: c.844A>G on transcript NM_004364.5 (MANE Select); coding-DNA position 844, A replaced by G.
Protein change: p.Ser282Gly; replaces serine 282 with glycine.
Molecular consequence: missense variant.
Genome position (GRCh38, 1-based): chr19:33,301,571, T>C on the plus strand (A>G on the coding strand, the complement: CEBPA is on the minus strand). VCF-style: chr19-33301571-T-C. GRCh37 (hg19) VCF-style: chr19-33792477-T-C.
Other names: c.487A>G, p.Ser163Gly (NM_001285829.2); c.949A>G, p.Ser317Gly (NM_001287424.2); c.802A>G, p.Ser268Gly (NM_001287435.2); short protein forms S282G, S317G, S163G, S268G.
Identifiers: ClinVar variation 2004495 (VCV002004495.4), dbSNP rs2513328869, ClinGen allele CA405274092.
Genomic context (GRCh38, chr19:33,301,571, plus strand): 5'-TGTCGCGGCTCTTGCGCACCGCGATGTTGTTGCGCTCGCGCCGCACCCGGTACTCGTTGC[T>C]GTTCTTGTCCACCGACTTCTTGGCCTTGCCCGCGCCGCTGCCGCCACTCGCGCGGAGGTC-3'
Protein context (NP_004355.2, residues 272-292): GKAKKSVDKN[Ser282Gly]NEYRVRRERN